The following is an entry in ClinVar:

NM_001148.6(ANK2):c.5593A>G (p.Arg1865Gly)

Genes: ANK2 (ankyrin 2; plus strand), LOC126807136 (MED14-independent group 3 enhancer GRCh37_chr4:114274931-114276130; plus strand). Cytogenetic location: 4q26.
Variant type: single nucleotide variant.
Coding change: c.5593A>G on transcript NM_001148.6 (MANE Select); coding-DNA position 5593, A replaced by G.
Protein change: p.Arg1865Gly; replaces arginine 1865 with glycine.
Molecular consequence: missense variant. On other transcripts: intron variant (68).
Genome position (GRCh38, 1-based): chr4:113,354,211, A>G. VCF-style: chr4-113354211-A-G. GRCh37 (hg19) VCF-style: chr4-114275367-A-G.
Other names: c.5359A>G, p.Arg1787Gly (NM_001386142.1); c.1993A>G, p.Arg665Gly (NM_001386166.1); c.5734A>G, p.Arg1912Gly (NM_001386174.1); c.5710A>G, p.Arg1904Gly (NM_001386175.1); c.4411+3962A>G (NM_001386186.2, NM_001386148.2); c.4213+3962A>G (NM_001354269.3); c.4291+3962A>G (NM_001386187.2); c.4252+3962A>G (NM_001386147.1); and 35 more; short protein forms R1787G, R1865G, R1904G, R1912G, R665G.
Identifiers: ClinVar variation 3295058 (VCV003295058.1).

ClinVar aggregate classification (germline): Uncertain significance (1 of 4 stars; one submission).

Conditions:
Cardiovascular phenotype. Identifiers: MedGen CN230736.

gnomAD v4.1: 1 of 1,614,088 alleles (0.000062%); highest among the groups gnomAD compares: Non-Finnish European, 0.000085%; no homozygotes.

Submission:

Ambry Genetics
Classification: Uncertain significance for Cardiovascular phenotype. Last evaluated: 2024-05-26. Review status: criteria provided, single submitter. Criteria: Ambry Variant Classification Scheme 2023. Collection method: clinical testing. Allele origin: germline.
Comment: The p.R1865G variant (also known as c.5593A>G), located in coding exon 38 of the ANK2 gene, results from an A to G substitution at nucleotide position 5593. The arginine at codon 1865 is replaced by glycine, an amino acid with dissimilar properties. This amino acid position is conserved. In addition, this alteration is predicted to be tolerated by in silico analysis. Based on the available evidence, the clinical significance of this variant remains unclear.